The following is an entry in ClinVar:

NM_015335.5(MED13L):c.3758C>T (p.Thr1253Ile)

Gene: MED13L (mediator complex subunit 13L; minus strand). Cytogenetic location: 12q24.21.
Variant type: single nucleotide variant.
Coding change: c.3758C>T on transcript NM_015335.5 (MANE Select); coding-DNA position 3758, C replaced by T.
Protein change: p.Thr1253Ile; replaces threonine 1253 with isoleucine.
Molecular consequence: missense variant.
Genome position (GRCh38, 1-based): chr12:115,991,196, G>A on the plus strand (C>T on the coding strand, the complement: MED13L is on the minus strand). VCF-style: chr12-115991196-G-A. GRCh37 (hg19) VCF-style: chr12-116429001-G-A.
Other names: short protein forms T1253I.
Identifiers: ClinVar variation 695435 (VCV000695435.43), dbSNP rs148416895, ClinGen allele CA6810939.

ClinVar aggregate classification (germline): Benign/Likely benign. Review status: criteria provided, multiple submitters, no conflicts (2 of 4 stars). 7 submissions from 7 submitters: Benign (3); Likely benign (1). 3 of the submissions do not count toward it. Last evaluated 2026-08-01.

Conditions:
Dextro-looped transposition of the great arteries. Also called: Dextrotransposition of the great arteries. Identifiers: Orphanet 860, MedGen C3531771, MONDO:0019443, OMIM 608808, HP:0031348.
MED13L-related disorder. Also called: MED13L-related condition.

Allele frequency attached by ClinVar (database versions not stated): ESP Exome Variant Server 0.00038; gnomAD 0.00046 and 0.00056; TOPMed 0.00057; 1000 Genomes Project 0.00080; ExAC 0.00097; gnomAD exomes 0.00105; 1000 Genomes Project 30x 0.00125.
gnomAD v4.1: 1,086 of 1,614,216 alleles (0.067%); highest among the groups gnomAD compares: South Asian, 0.27%; 5 homozygotes.

Submissions (7):

CeGaT Center for Human Genetics Tuebingen
Classification: Likely benign. Last evaluated: 2026-08-01. Review status: criteria provided, single submitter. Criteria: CeGaT Center For Human Genetics Tuebingen Variant Classification Criteria Version 2. Collection method: clinical testing. Allele origin: germline. Affected: yes. Observed: 6 variant alleles.
Comment: MED13L: BP4, BS1

Labcorp Genetics (formerly Invitae), Labcorp
Classification: Benign for Dextro-looped transposition of the great arteries. Last evaluated: 2025-10-01. Review status: criteria provided, single submitter. Criteria: Invitae Variant Classification Sherloc (09022015). Collection method: clinical testing. Allele origin: germline.

GeneDx
Classification: Benign. Last evaluated: 2020-10-22. Review status: criteria provided, single submitter. Criteria: GeneDx Variant Classification Process June 2021. Collection method: clinical testing. Allele origin: germline. Affected: yes.

Breakthrough Genomics
Classification: Benign. Review status: criteria provided, single submitter. Criteria: ACMG Guidelines, 2015. Collection method: not provided. Allele origin: germline. Inheritance: Autosomal dominant inheritance. Affected: yes.

PreventionGenetics, part of Exact Sciences
Classification: Benign for MED13L-related condition. Last evaluated: 2021-08-24. Review status: no assertion criteria provided. Collection method: clinical testing. Allele origin: germline. Not counted in ClinVar's aggregate classification.
Comment: This variant is classified as benign based on ACMG/AMP sequence variant interpretation guidelines (Richards et al. 2015 PMID: 25741868, with internal and published modifications).

Clinical Genetics DNA and cytogenetics Diagnostics Lab, Erasmus MC, Erasmus Medical Center
Classification: Likely benign. Review status: no assertion criteria provided. Collection method: clinical testing. Allele origin: germline. Affected: yes. Study: VKGL Data-share Consensus. Not counted in ClinVar's aggregate classification.

Joint Genome Diagnostic Labs from Nijmegen and Maastricht, Radboudumc and MUMC+
Classification: Likely benign. Review status: no assertion criteria provided. Collection method: clinical testing. Allele origin: germline. Affected: yes. Study: VKGL Data-share Consensus. Not counted in ClinVar's aggregate classification.